The following is an entry in ClinVar:

NM_133261.3(GIPC3):c.381G>A (p.Thr127=)

Gene: GIPC3 (GIPC PDZ domain containing family member 3; plus strand). Cytogenetic location: 19p13.3.
Variant type: single nucleotide variant.
Coding change: c.381G>A on transcript NM_133261.3 (MANE Select); coding-DNA position 381, G replaced by A.
Protein change: p.Thr127=; no amino-acid change (threonine 127 retained).
Molecular consequence: synonymous variant.
Genome position (GRCh38, 1-based): chr19:3,586,650, G>A. VCF-style: chr19-3586650-G-A. GRCh37 (hg19) VCF-style: chr19-3586648-G-A.
Identifiers: ClinVar variation 505291 (VCV000505291.4), dbSNP rs766652884, ClinGen allele CA505154911.
Genomic context (GRCh38, chr19:3,586,650, plus strand): 5'-AGGCGAGACCAAGGAGGTGGAGGTCACTAAGACAGAGGATGCTCTGGGGCTGACCATCAC[G>A]GACAACGGGGCTGGCTACGCCTTCATCAAGGTGCCCGGGAGGGGGTGGGCGGGTGGCTTC-3'
Protein context (NP_573568.1, residues 117-137): KTEDALGLTI[Thr127=]DNGAGYAFIK

ClinVar aggregate classification (germline): Likely benign (1 of 4 stars; one submission).

Submission:

Laboratory for Molecular Medicine, Mass General Brigham Personalized Medicine
Classification: Likely benign. Last evaluated: 2016-09-01. Review status: criteria provided, single submitter. Criteria: LMM Criteria. Collection method: clinical testing. Allele origin: germline. Observed: 1 variant allele.
Comment: p.Thr127Thr in exon 2 of GIPC3: This variant is not expected to have clinical si gnificance because it does not alter an amino acid residue and is not located wi thin the splice consensus sequence.